The following is an entry in ClinVar:

ClinVar aggregate classification (germline): Uncertain significance (1 of 4 stars; one submission).

Allele frequency attached by ClinVar (database versions not stated): gnomAD 0.00001; gnomAD exomes 0.00001.
gnomAD v4.1: 8 of 1,590,820 alleles (0.0005%); highest among the groups gnomAD compares: South Asian, 0.0079%; no homozygotes.

Submission:

Labcorp Genetics (formerly Invitae), Labcorp
Classification: Uncertain significance. Last evaluated: 2024-04-10. Review status: criteria provided, single submitter. Criteria: Invitae Variant Classification Sherloc (09022015). Collection method: clinical testing. Allele origin: germline.
Comment: This sequence change affects a donor splice site in intron 4 of the ERMARD gene. It is expected to disrupt RNA splicing. Variants that disrupt the donor or acceptor splice site typically lead to a loss of protein function (PMID: 16199547), however the current clinical and genetic evidence is not sufficient to establish whether loss-of-function variants in ERMARD cause disease. This variant is not present in population databases (gnomAD no frequency). This variant has not been reported in the literature in individuals affected with ERMARD-related conditions. Algorithms developed to predict the effect of sequence changes on RNA splicing suggest that this variant may disrupt the consensus splice site. In summary, the available evidence is currently insufficient to determine the role of this variant in disease. Therefore, it has been classified as a Variant of Uncertain Significance.

Literature cited by the submitters: PubMed 16199547.

NM_018341.3(ERMARD):c.417+1G>A

Gene: ERMARD (ER membrane associated RNA degradation; plus strand). Cytogenetic location: 6q27.
Variant type: single nucleotide variant.
Coding change: c.417+1G>A on transcript NM_018341.3 (MANE Select); the canonical splice donor site of the intron after coding-DNA position 417, G replaced by A.
Molecular consequence: splice donor variant.
Genome position (GRCh38, 1-based): chr6:169,756,440, G>A. VCF-style: chr6-169756440-G-A. GRCh37 (hg19) VCF-style: chr6-170156536-G-A.
Other names: c.417+1G>A (NM_001278531.2, NM_001278533.2); c.39+1G>A (NM_001278532.2, NM_001410957.1).
Identifiers: ClinVar variation 2800053 (VCV002800053.3), dbSNP rs1790824472, ClinGen allele CA366497755.